The following is an entry in ClinVar:

ClinVar aggregate classification (germline): Uncertain significance (1 of 4 stars; one submission).

Submission:

Labcorp Genetics (formerly Invitae), Labcorp
Classification: Uncertain significance. Last evaluated: 2022-08-01. Review status: criteria provided, single submitter. Criteria: Invitae Variant Classification Sherloc (09022015). Collection method: clinical testing. Allele origin: germline.
Comment: This variant has not been reported in the literature in individuals affected with ERBB4-related conditions. In summary, the available evidence is currently insufficient to determine the role of this variant in disease. Therefore, it has been classified as a Variant of Uncertain Significance. Algorithms developed to predict the effect of missense changes on protein structure and function are either unavailable or do not agree on the potential impact of this missense change (SIFT: "Deleterious"; PolyPhen-2: "Benign"; Align-GVGD: "Class C0"). This variant is not present in population databases (gnomAD no frequency). This sequence change replaces leucine, which is neutral and non-polar, with arginine, which is basic and polar, at codon 432 of the ERBB4 protein (p.Leu432Arg).

NM_005235.3(ERBB4):c.1295T>G (p.Leu432Arg)

Gene: ERBB4 (erb-b2 receptor tyrosine kinase 4; minus strand). Cytogenetic location: 2q34.
Variant type: single nucleotide variant.
Coding change: c.1295T>G on transcript NM_005235.3 (MANE Select); coding-DNA position 1295, T replaced by G.
Protein change: p.Leu432Arg; replaces leucine 432 with arginine.
Molecular consequence: missense variant.
Genome position (GRCh38, 1-based): chr2:211,702,161, A>C on the plus strand (T>G on the coding strand, the complement: ERBB4 is on the minus strand). VCF-style: chr2-211702161-A-C. GRCh37 (hg19) VCF-style: chr2-212566886-A-C.
Other names: c.1295T>G, p.Leu432Arg (NM_001042599.2); short protein forms L432R.
Identifiers: ClinVar variation 2121879 (VCV002121879.4), dbSNP rs2469934835, ClinGen allele CA350442595.
Genomic context (GRCh38, chr2:211,702,161, plus strand): 5'-TCCTTCAGGGACTGGAACTGTAGAGAGGTGATGCCCTGTTGCTTGAGGATAAGCAAGGAC[A>C]GGCCACTAAGGAGGGGGAAGTGAGAAAACGGAACCATGAAACGCATTCCGGAGTAAAATA-3'
Protein context (NP_005226.1, residues 422-442): TIGGRVLYSG[Leu432Arg]SLLILKQQGI